The following is an entry in ClinVar:

ClinVar aggregate classification (germline): Conflicting classifications of pathogenicity. Review status: criteria provided, conflicting classifications (1 of 4 stars). 3 submissions from 3 submitters: Uncertain significance (1); Likely benign (1). 1 of the submissions does not count toward it. Last evaluated 2025-05-08.

Conditions:
Hereditary cancer-predisposing syndrome. Also called: Neoplastic Syndromes, Hereditary; Tumor predisposition; Hereditary neoplastic syndrome; Hereditary Cancer Syndrome. Identifiers: Orphanet 140162, MedGen C0027672, MeSH D009386, MONDO:0015356.
Breast-ovarian cancer, familial, susceptibility to, 2 (BROVCA2). Also called: BRCA2 Hereditary Breast and Ovarian Cancer. Identifiers: Orphanet 145, MedGen C2675520, MONDO:0012933, OMIM 612555. Disease mechanism: loss of function.

Submissions (3):

Ambry Genetics
Classification: Likely benign for Hereditary cancer-predisposing syndrome. Last evaluated: 2025-05-08. Review status: criteria provided, single submitter. Criteria: Ambry Variant Classification Scheme 2023. Collection method: clinical testing. Allele origin: germline.

Sema4
Classification: Uncertain significance for Hereditary cancer-predisposing syndrome. Last evaluated: 2021-07-01. Review status: criteria provided, single submitter. Criteria: Sema4 Curation Guidelines. Collection method: curation. Allele origin: germline.
Comment: To the best of our knowledge, the BRCA2 c.8428A>C (p.S2810R) variant has not been reported in individuals with BRCA2-related disease. It was not observed in the large and broad cohorts of the Genome Aggregation Database (PMID: 32461654). The variant has been reported in ClinVar (Variation ID 52583). Functional studies have not been performed, and in silico predictions of the variant's effect on protein function are inconclusive. The evidence is insufficient to meet ACMG/AMP criteria for classifying the variant as benign or pathogenic. Thus, the clinical significance of this variant is currently uncertain.

Breast Cancer Information Core (BIC) (BRCA2)
Classification: Uncertain significance for Breast-ovarian cancer, familial 2. Last evaluated: 2010-12-17. Review status: no assertion criteria provided. Collection method: clinical testing. Allele origin: germline. Affected: yes. Observed: 1 variant allele. Not counted in ClinVar's aggregate classification.

NM_000059.4(BRCA2):c.8428A>C (p.Ser2810Arg)

Gene: BRCA2 (BRCA2 DNA repair associated; plus strand). Cytogenetic location: 13q13.1.
Variant type: single nucleotide variant.
Coding change: c.8428A>C on transcript NM_000059.4 (MANE Select); coding-DNA position 8428, A replaced by C.
Protein change: p.Ser2810Arg; replaces serine 2810 with arginine.
Molecular consequence: missense variant.
Genome position (GRCh38, 1-based): chr13:32,370,498, A>C. VCF-style: chr13-32370498-A-C. GRCh37 (hg19) VCF-style: chr13-32944635-A-C.
Other names: short protein forms S2810R.
Identifiers: ClinVar variation 52583 (VCV000052583.5), dbSNP rs80359089, ClinGen allele CA025640.
Genomic context (GRCh38, chr13:32,370,498, plus strand): 5'-ACCAAACTTGGATTCTTTCCTGACCCTAGACCTTTTCCTCTGCCCTTATCATCGCTTTTC[A>C]GTGATGGAGGAAATGTTGGTTGTGTTGATGTAATTATTCAAAGAGCATACCCTATACAGG-3'
Protein context (NP_000050.3, residues 2800-2820): PFPLPLSSLF[Ser2810Arg]DGGNVGCVDV